The following is an entry in ClinVar:

ClinVar aggregate classification (germline): Pathogenic (1 of 4 stars; one submission).

Conditions:
Primary ciliary dyskinesia. Also called: Ciliary dyskinesia. Identifiers: Orphanet 244, MedGen C0008780, MONDO:0016575, HP:0012265.

Submission:

Labcorp Genetics (formerly Invitae), Labcorp
Classification: Pathogenic for Primary ciliary dyskinesia. Last evaluated: 2023-10-06. Review status: criteria provided, single submitter. Criteria: Invitae Variant Classification Sherloc (09022015). Collection method: clinical testing. Allele origin: unknown.
Comment: This variant is a gross deletion of the genomic region encompassing exon(s) 31 of the DNAH5 gene. This deletion is out-of-frame, and is expected to create a premature termination codon and result in an absent or disrupted protein product. Loss-of-function variants in DNAH5 are known to be pathogenic (PMID: 11788826, 16627867). This variant has not been reported in the literature in individuals affected with DNAH5-related conditions. For these reasons, this variant has been classified as Pathogenic.

Literature cited by the submitters: PubMed 11788826; PubMed 16627867.

NC_000005.9:g.(?_13850741)_(13850944_?)del

Gene: DNAH5 (dynein axonemal heavy chain 5; minus strand). Cytogenetic location: 5p15.2.
Variant type: Deletion.
Identifiers: ClinVar variation 3246251 (VCV003246251.1).